The following is an entry in ClinVar:

NM_001040142.2(SCN2A):c.1312G>A (p.Glu438Lys)

Gene: SCN2A (sodium voltage-gated channel alpha subunit 2; plus strand). Cytogenetic location: 2q24.3.
Variant type: single nucleotide variant.
Coding change: c.1312G>A on transcript NM_001040142.2 (MANE Select); coding-DNA position 1312, G replaced by A.
Protein change: p.Glu438Lys; replaces glutamic acid 438 with lysine.
Molecular consequence: missense variant.
Genome position (GRCh38, 1-based): chr2:165,314,037, G>A. VCF-style: chr2-165314037-G-A. GRCh37 (hg19) VCF-style: chr2-166170547-G-A.
Other names: p.E438K:GAG>AAG; c.1312G>A, p.Glu438Lys (NM_001040143.2, NM_001371246.1, NM_001371247.1 and 1 more transcripts); short protein forms E438K.
Identifiers: ClinVar variation 207057 (VCV000207057.11), dbSNP rs796053184, ClinGen allele CA318123.

ClinVar aggregate classification (germline): Pathogenic/Likely pathogenic. Review status: criteria provided, multiple submitters, no conflicts (2 of 4 stars). 3 submissions from 3 submitters: Pathogenic (2); Likely pathogenic (1). Last evaluated 2026-08-31.

Conditions:
Epilepsy. Also called: Seizure disorder. Identifiers: MedGen C0014544, MeSH D004827, MONDO:0005027.
Developmental and epileptic encephalopathy, 11 (DEE11). Also called: Early infantile epileptic encephalopathy 11. Identifiers: Orphanet 1934, MedGen C3150987, MONDO:0013388, OMIM 613721.
Seizures, benign familial infantile, 3 (BFIS3). Also called: CONVULSIONS, BENIGN FAMILIAL INFANTILE, 3; Familial neonatal seizures. Identifiers: Orphanet 140927, Orphanet 306, MedGen C1843140, MONDO:0011904, OMIM 607745.

Submissions (3):

Cytogénomique, Hospices Civils de Lyon
Classification: Pathogenic for Epilepsy. Last evaluated: 2026-08-31. Review status: criteria provided, single submitter. Criteria: ACMG Guidelines, 2015. Collection method: clinical testing. Allele origin: de novo. Affected: yes.

Labcorp Genetics (formerly Invitae), Labcorp
Classification: Pathogenic for Seizures, benign familial infantile, 3; Developmental and epileptic encephalopathy, 11. Last evaluated: 2024-10-22. Review status: criteria provided, single submitter. Criteria: Invitae Variant Classification Sherloc (09022015). Collection method: clinical testing. Allele origin: germline.
Comment: This sequence change replaces glutamic acid, which is acidic and polar, with lysine, which is basic and polar, at codon 438 of the SCN2A protein (p.Glu438Lys). This variant is not present in population databases (gnomAD no frequency). This missense change has been observed in individuals with clinical features of SCN2A-related conditions (PMID: 27781031, 29655203, 29760947). This variant is also known as p.Glu428Lys. ClinVar contains an entry for this variant (Variation ID: 207057). Invitae Evidence Modeling of protein sequence and biophysical properties (such as structural, functional, and spatial information, amino acid conservation, physicochemical variation, residue mobility, and thermodynamic stability) indicates that this missense variant is expected to disrupt SCN2A protein function with a positive predictive value of 95%. This variant disrupts the p.Glu438 amino acid residue in SCN2A. Other variant(s) that disrupt this residue have been determined to be pathogenic (internal data). This suggests that this residue is clinically significant, and that variants that disrupt this residue are likely to be disease-causing. For these reasons, this variant has been classified as Pathogenic.

GeneDx
Classification: Likely pathogenic. Last evaluated: 2017-08-14. Review status: criteria provided, single submitter. Criteria: GeneDx Variant Classification (06012015). Collection method: clinical testing. Allele origin: germline. Affected: yes.
Comment: The E438K variant has been previously reported as a variant of unknown significance in an individual with early onset epileptic encephalopathy; however, segregation analysis was not completed (MÃ¸ller et al., 2016). The E438K variant is not observed in large population cohorts (Lek et al., 2016; 1000 Genomes Consortium et al., 2015; Exome Variant Server). The E438K variant is a non-conservative amino acid substitution, which is likely to impact secondary protein structure as these residues differ in polarity, charge, size and/or other properties. This substitution occurs at a conserved position predicted to be within the cytoplasmic loop between the first and second homologous domains. In silico analysis predicts this variant is probably damaging to the protein structure/function.

Literature cited by the submitters: PubMed 27781031 (cited by Labcorp Genetics (formerly Invitae), Labcorp); PubMed 29655203 (cited by Labcorp Genetics (formerly Invitae), Labcorp); PubMed 29760947 (cited by Labcorp Genetics (formerly Invitae), Labcorp).